The following is an entry in ClinVar:

ClinVar aggregate classification (germline): Uncertain significance (1 of 4 stars; one submission).

Conditions:
Hereditary factor VIII deficiency disease (HEMA). Also called: HEMOPHILIA, CLASSIC; AUTOSOMAL HEMOPHILIA A; Hemophilia A; Hemophilia A, congenital; HEM A; Factor 8 deficiency, congenital. Identifiers: Orphanet 98878, MedGen C0019069, MONDO:0010602, OMIM 306700.

Submission:

ARUP Laboratories, Molecular Genetics and Genomics, ARUP Laboratories
Classification: Uncertain significance for Hereditary factor VIII deficiency disease. Last evaluated: 2021-03-02. Review status: criteria provided, single submitter. Criteria: ARUP Molecular Germline Variant Investigation Process 2021. Collection method: clinical testing. Allele origin: germline.
Comment: The F8 c.940A>C; p.Thr314Pro variant, to our knowledge, is not reported in the medical literature or gene specific databases. This variant is also absent from general population databases (Exome Variant Server, Genome Aggregation Database), indicating it is not a common polymorphism. Additionally, other variants at this codon (c.940A>G, p.Thr314Ala; c.941C>T, p.Thr314Ile) have been reported in individuals with mild-moderate hemophilia A and are considered pathogenic (see F8 database and references therein). The threonine at codon 314 is highly conserved, and computational analyses predict that this variant is deleterious (REVEL: 0.875). However, given the lack of clinical and functional data, the significance of the variant is uncertain at this time. References: Link to F8 database

NM_000132.4(F8):c.940A>C (p.Thr314Pro)

Gene: F8 (coagulation factor VIII; minus strand). Cytogenetic location: Xq28.
Variant type: single nucleotide variant.
Coding change: c.940A>C on transcript NM_000132.4 (MANE Select); coding-DNA position 940, A replaced by C.
Protein change: p.Thr314Pro; replaces threonine 314 with proline.
Molecular consequence: missense variant.
Genome position (GRCh38, 1-based): chrX:154,969,400, T>G on the plus strand (A>C on the coding strand, the complement: F8 is on the minus strand). VCF-style: chrX-154969400-T-G. GRCh37 (hg19) VCF-style: chrX-154197675-T-G.
Other names: short protein forms T314P.
Identifiers: ClinVar variation 1331011 (VCV001331011.7), dbSNP rs137852406, ClinGen allele CA414917836.